The following is an entry in ClinVar:

NC_000002.12:g.(?_47801962)_(47806306_?)del

Gene: MSH6 (mutS homolog 6; plus strand). Cytogenetic location: 2p16.3.
Variant type: Deletion.
Identifiers: ClinVar variation 455068 (VCV000455068.4).

ClinVar aggregate classification (germline): Pathogenic (1 of 4 stars; one submission).

Conditions:
Hereditary nonpolyposis colorectal neoplasms. Identifiers: MedGen C0009405, MeSH D003123.

Submission:

Labcorp Genetics (formerly Invitae), Labcorp
Classification: Pathogenic for Hereditary nonpolyposis colorectal neoplasms. Last evaluated: 2019-07-25. Review status: criteria provided, single submitter. Criteria: Invitae Variant Classification Sherloc (09022015). Collection method: clinical testing. Allele origin: germline.
Comment: For these reasons, this variant has been classified as Pathogenic. Loss-of-function variants in MSH6 are known to be pathogenic (PMID: 18269114, 24362816). This variant has not been reported in the literature in individuals with MSH6-related conditions. This variant is a gross deletion of the genomic region encompassing exons 5-7 and the first 103 nucleotides of exon 8, including the intron 4-exon 5 boundary. In addition, this sequence change inserts 16 nucleotides in exon 8 of the MSH6 gene (c.3172+807_3749delins16). This likely creates a premature translational stop signal and is expected to result in an absent or disrupted protein product.

Literature cited by the submitters: PubMed 18269114; PubMed 24362816.